The following is an entry in ClinVar:

NM_000093.5(COL5A1):c.5136+72G>A

Genes: COL5A1 (collagen type V alpha 1 chain; plus strand), LOC101448202 (uncharacterized LOC101448202; minus strand). Cytogenetic location: 9q34.3.
Variant type: single nucleotide variant.
Coding change: c.5136+72G>A on transcript NM_000093.5 (MANE Select); 72 bases into the intron after coding-DNA position 5136, G replaced by A.
Molecular consequence: intron variant. On other transcripts: missense variant (1).
Genome position (GRCh38, 1-based): chr9:134,830,116, G>A. VCF-style: chr9-134830116-G-A. GRCh37 (hg19) VCF-style: chr9-137721962-G-A.
Other names: c.5076G>A, p.Met1692Ile (NM_001278074.1); short protein forms M1692I.
Identifiers: ClinVar variation 3764421 (VCV003764421.1).

ClinVar aggregate classification (germline): Uncertain significance (1 of 4 stars; one submission).

Submission:

GeneDx
Classification: Uncertain significance. Last evaluated: 2024-08-20. Review status: criteria provided, single submitter. Criteria: GeneDx Variant Classification Process June 2021. Collection method: clinical testing. Allele origin: germline. Affected: yes.
Comment: Not observed at significant frequency in large population cohorts (gnomAD); In silico analysis supports that this missense variant has a deleterious effect on protein structure/function; Has not been previously published as pathogenic or benign to our knowledge; Reported using an alternate transcript of the gene; This variant is associated with the following publications: (PMID: 22696272)